The following is an entry in ClinVar:

ClinVar aggregate classification (germline): Pathogenic (1 of 4 stars; one submission).

Conditions:
Autosomal recessive limb-girdle muscular dystrophy type R18 (LGMDR18). Also called: Autosomal recessive limb-girdle muscular dystrophy type 2S; MUSCULAR DYSTROPHY, LIMB-GIRDLE, AUTOSOMAL RECESSIVE 18; Limb-girdle muscular dystrophy, type 2S. Identifiers: Orphanet 369840, MedGen C4517996, MONDO:0014144, OMIM 615356.

Allele frequency attached by ClinVar (database versions not stated): gnomAD exomes 0.00001.

Submission:

Baylor Genetics
Classification: Pathogenic for Autosomal recessive limb-girdle muscular dystrophy type R18. Last evaluated: 2018-11-30. Review status: criteria provided, single submitter. Criteria: ACMG Guidelines, 2015. Collection method: clinical testing. Allele origin: unknown. Affected: yes.
Comment: This variant was determined to be pathogenic according to ACMG Guidelines, 2015 [PMID:25741868].

NM_021942.6(TRAPPC11):c.2625del (p.His875fs)

Gene: TRAPPC11 (trafficking protein particle complex subunit 11; plus strand). Cytogenetic location: 4q35.1.
Variant type: Deletion.
Coding change: c.2625del on transcript NM_021942.6 (MANE Select); coding-DNA position 2625, one base deleted (C; older notation c.2625delC).
Protein change: p.His875fs; shifts the reading frame from histidine 875.
Molecular consequence: frameshift variant.
Genome position (GRCh38, 1-based): chr4:183,694,720, C deleted. VCF-style (leftmost placement, unchanged base first): chr4-183694719-AC-A. GRCh37 (hg19) VCF-style: chr4-184615872-AC-A.
Other names: c.2625del, p.His875fs (NM_199053.3); short protein forms H875fs.
Identifiers: ClinVar variation 1033578 (VCV001033578.1), dbSNP rs1736442342, ClinGen allele CA1518738631.